The following is an entry in ClinVar:

NM_001166108.2(PALLD):c.1965-12931C>T

Gene: PALLD (palladin, cytoskeletal associated protein; plus strand). Cytogenetic location: 4q32.3.
Variant type: single nucleotide variant.
Coding change: c.1965-12931C>T on transcript NM_001166108.2 (MANE Select); 12931 bases into the intron before coding-DNA position 1965, C replaced by T.
Molecular consequence: intron variant. On other transcripts: missense variant (1).
Genome position (GRCh38, 1-based): chr4:168,877,991, C>T. VCF-style: chr4-168877991-C-T. GRCh37 (hg19) VCF-style: chr4-169799142-C-T.
Other names: c.100C>T, p.Pro34Ser (NM_001166110.2); c.1965-12931C>T (NM_016081.4); c.819-12931C>T (NM_001166109.2); c.-157-12931C>T (NM_001367570.1, NM_001367568.1, NM_001367567.1 and 1 more transcripts); c.100C>T (NM_001166110.1); short protein forms P34S.
Identifiers: ClinVar variation 1354157 (VCV001354157.10), dbSNP rs1452134652, ClinGen allele CA358795015.
Genomic context (GRCh38, chr4:168,877,991, plus strand): 5'-TCCTCCGGCTCCTTCAACTACGCGCGCCCCAAGCAGTTCATCGCCGCGCAGAACCTCGGG[C>T]CCGCGTCGGGCCACGGCACGCCGGCCTCCAGCCCCAGCTCGTCCAGCCTCCCGTCGCCCA-3'

ClinVar aggregate classification (germline): Uncertain significance. Review status: criteria provided, multiple submitters, no conflicts (2 of 4 stars). 2 submissions from 2 submitters: Uncertain significance (2). Last evaluated 2024-12-25.

Conditions:
Pancreatic adenocarcinoma. Identifiers: MedGen C0281361, MONDO:0006047, HP:0006725.

Allele frequency attached by ClinVar (database versions not stated): gnomAD 0.00001.
gnomAD v4.1: 2 of 1,500,074 alleles (0.00013%); highest among the groups gnomAD compares: Admixed American, 0.0042%; no homozygotes.

Submissions (2):

Ambry Genetics
Classification: Uncertain significance. Last evaluated: 2024-12-25. Review status: criteria provided, single submitter. Criteria: Ambry Variant Classification Scheme 2023. Collection method: clinical testing. Allele origin: germline.
Comment: The p.P34S variant (also known as c.100C>T), located in coding exon 1 of the PALLD gene, results from a C to T substitution at nucleotide position 100. The proline at codon 34 is replaced by serine, an amino acid with similar properties. This amino acid position is conserved. In addition, this alteration is predicted to be tolerated by in silico analysis. Based on the available evidence, the clinical significance of this variant remains unclear.

Labcorp Genetics (formerly Invitae), Labcorp
Classification: Uncertain significance for Pancreatic adenocarcinoma. Last evaluated: 2021-06-05. Review status: criteria provided, single submitter. Criteria: Invitae Variant Classification Sherloc (09022015). Collection method: clinical testing. Allele origin: germline.
Comment: This sequence change replaces proline with serine at codon 34 of the PALLD protein (p.Pro34Ser). The proline residue is highly conserved and there is a moderate physicochemical difference between proline and serine. The frequency data for this variant in the population databases is considered unreliable, as metrics indicate insufficient coverage at this position in the ExAC database. This variant has not been reported in the literature in individuals with PALLD-related conditions. Algorithms developed to predict the effect of missense changes on protein structure and function are either unavailable or do not agree on the potential impact of this missense change (SIFT: "Deleterious"; PolyPhen-2: "Benign"; Align-GVGD: "Class C65"). Algorithms developed to predict the effect of sequence changes on RNA splicing suggest that this variant may create or strengthen a splice site, but this prediction has not been confirmed by published transcriptional studies. In summary, the available evidence is currently insufficient to determine the role of this variant in disease. Therefore, it has been classified as a Variant of Uncertain Significance.